The following is an entry in ClinVar:

Conditions:
Long QT syndrome 5 (LQT5). Identifiers: Orphanet 101016, Orphanet 768, MedGen C1867904, MONDO:0013372, OMIM 613695.

Submission:

Roden Lab, Vanderbilt University Medical Center
No classification provided (evidence only). Condition: Long QT syndrome 5. Review status: no classification provided. Collection method: in vitro. Allele origin: not applicable. Functional consequence: Effect on ion channel function.
ClinVar note: "not provided" was previously submitted as the classification for the variant. However, the classification appeared to be based only on an observation of functional data so it was converted to no classification on 2025-07-30.

NM_000219.6(KCNE1):c.330A>T (p.Glu110Asp)

Gene: KCNE1 (potassium voltage-gated channel subfamily E regulatory subunit 1; minus strand). Cytogenetic location: 21q22.12.
Variant type: single nucleotide variant.
Coding change: c.330A>T on transcript NM_000219.6 (MANE Select); coding-DNA position 330, A replaced by T.
Protein change: p.Glu110Asp; replaces glutamic acid 110 with aspartic acid.
Molecular consequence: missense variant.
Genome position (GRCh38, 1-based): chr21:34,449,305, T>A on the plus strand (A>T on the coding strand, the complement: KCNE1 is on the minus strand). VCF-style: chr21-34449305-T-A. GRCh37 (hg19) VCF-style: chr21-35821603-T-A.
Other names: c.330A>T, p.Glu110Asp (NM_001127668.4, NM_001127669.4, NM_001127670.4 and 4 more transcripts); short protein forms E110D.
Identifiers: ClinVar variation 3374658 (VCV003374658.2).